The following is an entry in ClinVar:

NM_000051.4(ATM):c.3994A>G (p.Ile1332Val)

Gene: ATM (ATM serine/threonine kinase; plus strand). Cytogenetic location: 11q22.3.
Variant type: single nucleotide variant.
Coding change: c.3994A>G on transcript NM_000051.4 (MANE Select); coding-DNA position 3994, A replaced by G.
Protein change: p.Ile1332Val; replaces isoleucine 1332 with valine.
Molecular consequence: missense variant.
Genome position (GRCh38, 1-based): chr11:108,287,600, A>G. VCF-style: chr11-108287600-A-G. GRCh37 (hg19) VCF-style: chr11-108158327-A-G.
Other names: c.3994A>G, p.Ile1332Val (NM_001351834.2); short protein forms I1332V.
Identifiers: ClinVar variation 1736788 (VCV001736788.3), dbSNP rs1064793534, ClinGen allele CA382527409.

ClinVar aggregate classification (germline): Uncertain significance. Review status: criteria provided, multiple submitters, no conflicts (2 of 4 stars). 2 submissions from 2 submitters: Uncertain significance (2). Last evaluated 2026-02-02.

Conditions:
Hereditary cancer-predisposing syndrome. Also called: Hereditary neoplastic syndrome; Tumor predisposition; Neoplastic Syndromes, Hereditary; Hereditary Cancer Syndrome. Identifiers: Orphanet 140162, MedGen C0027672, MeSH D009386, MONDO:0015356.

Submissions (2):

Women's Health and Genetics/Laboratory Corporation of America, LabCorp
Classification: Uncertain significance. Last evaluated: 2026-02-02. Review status: criteria provided, single submitter. Criteria: LabCorp Variant Classification Summary - May 2015. Collection method: clinical testing. Allele origin: germline.
Comment: Variant summary: ATM c.3994A>G (p.Ile1332Val) results in a conservative amino acid change in the encoded protein sequence, near a canonical splice site. Algorithms developed to predict the effect of missense changes on protein structure and function are either unavailable or do not agree on the potential impact of this missense change. Consensus agreement among computation tools predict no significant impact on normal splicing. However, these predictions have yet to be confirmed by functional studies. The variant was absent in 248222 control chromosomes. The available data on variant occurrences in the general population are insufficient to allow any conclusion about variant significance. To our knowledge, no occurrence of c.3994A>G in individuals affected with ATM-related conditions and no experimental evidence demonstrating its impact on protein function have been reported. ClinVar contains an entry for this variant (Variation ID: 1736788). Based on the evidence outlined above, the variant was classified as uncertain significance.

Ambry Genetics
Classification: Uncertain significance for Hereditary cancer-predisposing syndrome. Last evaluated: 2022-10-13. Review status: criteria provided, single submitter. Criteria: Ambry Variant Classification Scheme 2023. Collection method: clinical testing. Allele origin: germline.
Comment: The p.I1332V variant (also known as c.3994A>G) is located in coding exon 26 of the ATM gene. The isoleucine at codon 1332 is replaced by valine, an amino acid with highly similar properties. This change occurs in the first base pair of coding exon 26. This alteration was not observed in 7,051 unselected female breast cancer patients, 53 unselected male breast cancer patients or in 11,241 female controls, but was observed in 1/12,490 male controls of Japanese ancestry (Momozawa Y et al. Nat Commun, 2018 10;9:4083). This alteration has been reported in 0/7,636 unselected prostate cancer patients and 1/12,366 male controls of Japanese ancestry (Momozawa Y et al. J Natl Cancer Inst, 2020 04;112:369-376). This amino acid position is well conserved in available vertebrate species. In addition, this alteration is predicted to be tolerated by in silico analysis. Since supporting evidence is limited at this time, the clinical significance of this alteration remains unclear.

Literature cited by the submitters: PubMed 30287823 (cited by Ambry Genetics); PubMed 31214711 (cited by Ambry Genetics).